The following is an entry in ClinVar:

NM_000170.3(GLDC):c.1489G>A (p.Val497Ile)

Gene: GLDC (glycine decarboxylase; minus strand). Cytogenetic location: 9p24.1.
Variant type: single nucleotide variant.
Coding change: c.1489G>A on transcript NM_000170.3 (MANE Select); coding-DNA position 1489, G replaced by A.
Protein change: p.Val497Ile; replaces valine 497 with isoleucine.
Molecular consequence: missense variant.
Genome position (GRCh38, 1-based): chr9:6,589,286, C>T on the plus strand (G>A on the coding strand, the complement: GLDC is on the minus strand). VCF-style: chr9-6589286-C-T. GRCh37 (hg19) VCF-style: chr9-6589286-C-T.
Other names: short protein forms V497I.
Identifiers: ClinVar variation 1715976 (VCV001715976.6), dbSNP rs1389059785, ClinGen allele CA372893394.

ClinVar aggregate classification (germline): Uncertain significance (1 of 4 stars; one submission).

Conditions:
Glycine encephalopathy. Also called: Non-ketotic hyperglycinemia; Nonketotic hyperglycinemia. Identifiers: Orphanet 407, MedGen C0751748, MONDO:0011612, HP:0008288.

Submission:

Labcorp Genetics (formerly Invitae), Labcorp
Classification: Uncertain significance for Glycine encephalopathy. Last evaluated: 2024-10-15. Review status: criteria provided, single submitter. Criteria: Invitae Variant Classification Sherloc (09022015). Collection method: clinical testing. Allele origin: germline.
Comment: This sequence change replaces valine, which is neutral and non-polar, with isoleucine, which is neutral and non-polar, at codon 497 of the GLDC protein (p.Val497Ile). This variant is not present in population databases (gnomAD no frequency). This variant has not been reported in the literature in individuals affected with GLDC-related conditions. ClinVar contains an entry for this variant (Variation ID: 1715976). Invitae Evidence Modeling of protein sequence and biophysical properties (such as structural, functional, and spatial information, amino acid conservation, physicochemical variation, residue mobility, and thermodynamic stability) indicates that this missense variant is not expected to disrupt GLDC protein function with a negative predictive value of 95%. In summary, the available evidence is currently insufficient to determine the role of this variant in disease. Therefore, it has been classified as a Variant of Uncertain Significance.